The following is an entry in ClinVar:

ClinVar aggregate classification (germline): Uncertain significance (1 of 4 stars; one submission).

Conditions:
Dyskeratosis congenita, autosomal recessive 1. Identifiers: Orphanet 1775, MedGen C1857144, MONDO:0009136, OMIM 224230.

Submission:

Labcorp Genetics (formerly Invitae), Labcorp
Classification: Uncertain significance for Dyskeratosis congenita, autosomal recessive 1. Last evaluated: 2021-12-20. Review status: criteria provided, single submitter. Criteria: Invitae Variant Classification Sherloc (09022015). Collection method: clinical testing. Allele origin: germline.
Comment: In summary, the available evidence is currently insufficient to determine the role of this variant in disease. Therefore, it has been classified as a Variant of Uncertain Significance. This variant has not been reported in the literature in individuals affected with NOP10-related conditions. This variant is not present in population databases (gnomAD no frequency). This sequence change creates a premature translational stop signal (p.Tyr41Serfs*13) in the NOP10 gene. While this is not anticipated to result in nonsense mediated decay, it is expected to disrupt the last 24 amino acid(s) of the NOP10 protein.

NM_018648.4(NOP10):c.122_135delinsCACC (p.Tyr41fs)

Gene: NOP10 (NOP10 ribonucleoprotein; minus strand). Cytogenetic location: 15q14.
Variant type: Indel.
Coding change: c.122_135delinsCACC on transcript NM_018648.4 (MANE Select); coding-DNA positions 122 to 135, ACTCTCGACACCGA replaced by CACC.
Protein change: p.Tyr41fs; shifts the reading frame from tyrosine 41.
Molecular consequence: frameshift variant.
Genome position (GRCh38, 1-based): chr15:34,342,028-34,342,041, TCGGTGTCGAGAGT replaced by GGTG on the plus strand (ACTCTCGACACCGA replaced by CACC on the coding strand, the reverse complement: NOP10 is on the minus strand). VCF-style: chr15-34342028-TCGGTGTCGAGAGT-GGTG. GRCh37 (hg19) VCF-style: chr15-34634229-TCGGTGTCGAGAGT-GGTG.
Other names: short protein forms Y41fs.
Identifiers: ClinVar variation 651009 (VCV000651009.9), dbSNP rs1595604667, ClinGen allele CA915946500.